The following is an entry in ClinVar:

ClinVar aggregate classification (germline): Uncertain significance (1 of 4 stars; one submission).

Submission:

Dasa
Classification: Uncertain significance. Last evaluated: 2026-01-28. Review status: criteria provided, single submitter. Criteria: DASA Assertion Criteria. Collection method: clinical testing. Allele origin: germline.
Comment: NM_001378457.1(DMXL2):c.6538A>C (p.Lys2180Gln) is a missense variant that results in the substitution of lysine with glutamine. This variant is rare in population databases. The currently available literature and clinical evidence are not sufficient to establish a definitive association between this variant and the reported condition. Therefore, this variant is classified as a variant of uncertain significance.

NM_001378457.1(DMXL2):c.6538A>C (p.Lys2180Gln)

Gene: DMXL2 (Dmx like 2; minus strand). Cytogenetic location: 15q21.2.
Variant type: single nucleotide variant.
Coding change: c.6538A>C on transcript NM_001378457.1 (MANE Select); coding-DNA position 6538, A replaced by C.
Protein change: p.Lys2180Gln; replaces lysine 2180 with glutamine.
Molecular consequence: missense variant. On other transcripts: non-coding transcript variant (2).
Genome position (GRCh38, 1-based): chr15:51,480,568, T>G on the plus strand (A>C on the coding strand, the complement: DMXL2 is on the minus strand). VCF-style: chr15-51480568-T-G. GRCh37 (hg19) VCF-style: chr15-51772765-T-G.
Other names: c.6538A>C, p.Lys2180Gln (NM_015263.5, NM_001174116.3, NM_001378458.1 and 4 more transcripts); c.4630A>C, p.Lys1544Gln (NM_001174117.3); c.4519A>C, p.Lys1507Gln (NM_001378460.1); c.6298A>C, p.Lys2100Gln (NM_001378464.1); short protein forms K1507Q, K1544Q, K2100Q, K2180Q.
Identifiers: ClinVar variation 4885873 (VCV004885873.2).